The following is an entry in ClinVar:

NM_005207.4(CRKL):c.66G>C (p.Gln22His)

Gene: CRKL (CRK like proto-oncogene, adaptor protein; plus strand). Cytogenetic location: 22q11.21.
Variant type: single nucleotide variant.
Coding change: c.66G>C on transcript NM_005207.4 (MANE Select); coding-DNA position 66, G replaced by C.
Protein change: p.Gln22His; replaces glutamine 22 with histidine.
Molecular consequence: missense variant. On other transcripts: non-coding transcript variant (1).
Genome position (GRCh38, 1-based): chr22:20,918,000, G>C. VCF-style: chr22-20918000-G-C. GRCh37 (hg19) VCF-style: chr22-21272288-G-C.
Other names: short protein forms Q22H.
Identifiers: ClinVar variation 4809313 (VCV004809313.1).
Genomic context (GRCh38, chr22:20,918,000, plus strand): 5'-CTCCGCCAGGTTCGACTCCTCGGACCGCTCCGCCTGGTATATGGGGCCGGTGTCTCGCCA[G>C]GAGGCGCAGACCCGGCTCCAGGGCCAGCGCCACGGTATGTTCCTCGTCCGCGATTCTTCC-3'
Protein context (NP_005198.1, residues 12-32): SAWYMGPVSR[Gln22His]EAQTRLQGQR

ClinVar aggregate classification (germline): Uncertain significance (1 of 4 stars; one submission).

gnomAD v4.1: 1 of 1,614,110 alleles (0.000062%); highest among the groups gnomAD compares: African/African-American, 0.0013%; no homozygotes.

Submission:

Labcorp Genetics (formerly Invitae), Labcorp
Classification: Uncertain significance. Last evaluated: 2025-03-31. Review status: criteria provided, single submitter. Criteria: Invitae Variant Classification Sherloc (09022015). Collection method: clinical testing. Allele origin: germline.
Comment: This sequence change replaces glutamine, which is neutral and polar, with histidine, which is basic and polar, at codon 22 of the CRKL protein (p.Gln22His). This variant is present in population databases (rs763322278, gnomAD 0.007%). This variant has not been reported in the literature in individuals affected with CRKL-related conditions. An algorithm developed to predict the effect of missense changes on protein structure and function (PolyPhen-2) suggests that this variant is likely to be tolerated. In summary, the available evidence is currently insufficient to determine the role of this variant in disease. Therefore, it has been classified as a Variant of Uncertain Significance.